The following is an entry in ClinVar:

ClinVar aggregate classification (germline): Likely benign. Review status: criteria provided, single submitter (1 of 4 stars). 2 submissions from 2 submitters: Likely benign (1). 1 of the submissions does not count toward it. Last evaluated 2022-12-31.

Conditions:
JAG1-related disorder. Also called: JAG1-related condition; JAG1-related disorders.
Alagille syndrome due to a JAG1 point mutation. Also called: Alagille Syndrome 1; JAG1-Related Alagille Syndrome; HEPATIC DUCTULAR HYPOPLASIA, SYNDROMATIC. Identifiers: Orphanet 261619, Orphanet 52, MedGen C1956125, MONDO:0016862, OMIM 118450.

Submissions (2):

Labcorp Genetics (formerly Invitae), Labcorp
Classification: Likely benign for Alagille syndrome due to a JAG1 point mutation. Last evaluated: 2022-12-31. Review status: criteria provided, single submitter. Criteria: Invitae Variant Classification Sherloc (09022015). Collection method: clinical testing. Allele origin: germline.

PreventionGenetics, part of Exact Sciences
Classification: Likely benign for JAG1-related condition. Last evaluated: 2024-05-21. Review status: no assertion criteria provided. Collection method: clinical testing. Allele origin: germline. Not counted in ClinVar's aggregate classification.
Comment: This variant is classified as likely benign based on ACMG/AMP sequence variant interpretation guidelines (Richards et al. 2015 PMID: 25741868, with internal and published modifications).

NM_000214.3(JAG1):c.2682+8A>C

Gene: JAG1 (jagged canonical Notch ligand 1; minus strand). Cytogenetic location: 20p12.2.
Variant type: single nucleotide variant.
Coding change: c.2682+8A>C on transcript NM_000214.3 (MANE Select); 8 bases into the intron after coding-DNA position 2682, A replaced by C.
Molecular consequence: intron variant.
Genome position (GRCh38, 1-based): chr20:10,641,775, T>G on the plus strand (A>C on the coding strand, the complement: JAG1 is on the minus strand). VCF-style: chr20-10641775-T-G. GRCh37 (hg19) VCF-style: chr20-10622423-T-G.
Other names: c.2682+8A>C (NM_000214.2).
Identifiers: ClinVar variation 2890080 (VCV002890080.4), dbSNP rs560065330, ClinGen allele CA2739277055.